The following is an entry in ClinVar:

NM_002769.5(PRSS1):c.152C>A (p.Ser51Tyr)

Genes: TRB (T cell receptor beta locus; plus strand), PRSS1 (serine protease 1; plus strand). Cytogenetic location: 7q34.
Variant type: single nucleotide variant.
Coding change: c.152C>A on transcript NM_002769.5 (MANE Select); coding-DNA position 152, C replaced by A.
Protein change: p.Ser51Tyr; replaces serine 51 with tyrosine.
Molecular consequence: missense variant. On other transcripts: non-coding transcript variant (4).
Genome position (GRCh38, 1-based): chr7:142,750,666, C>A. VCF-style: chr7-142750666-C-A. GRCh37 (hg19) VCF-style: chr7-142458517-C-A.
Other names: short protein forms S51Y.
Identifiers: ClinVar variation 1774584 (VCV001774584.3), dbSNP rs1415566919, ClinGen allele CA369607420.

ClinVar aggregate classification (germline): Uncertain significance (1 of 4 stars; one submission).

Conditions:
Hereditary pancreatitis (PCTT). Also called: Hereditary chronic pancreatitis; PRSS1-Related Hereditary Pancreatitis. Identifiers: Orphanet 676, MedGen C0238339, MONDO:0008185, OMIM 167800.

Submission:

Ambry Genetics
Classification: Uncertain significance for Hereditary pancreatitis. Last evaluated: 2025-09-10. Review status: criteria provided, single submitter. Criteria: Ambry Variant Classification Scheme 2023. Collection method: clinical testing. Allele origin: germline.
Comment: The p.S51Y variant (also known as c.152C>A), located in coding exon 2 of the PRSS1 gene, results from a C to A substitution at nucleotide position 152. The serine at codon 51 is replaced by tyrosine, an amino acid with dissimilar properties. This amino acid position is highly conserved in available vertebrate species. In addition, this alteration is predicted to be deleterious by in silico analysis. Since supporting evidence is limited at this time, the clinical significance of this alteration remains unclear.